The following is an entry in ClinVar:

ClinVar aggregate classification (germline): Pathogenic (1 of 4 stars; one submission).

Conditions:
Dyskeratosis congenita, autosomal recessive 5 (DKCB5). Identifiers: MedGen C3554656, MONDO:0014076, OMIM 615190.
Pulmonary fibrosis and/or bone marrow failure, Telomere-related, 3. Also called: PULMONARY FIBROSIS AND/OR BONE MARROW FAILURE SYNDROME, TELOMERE-RELATED, 3. Identifiers: Orphanet 2032, MedGen C4225346, MONDO:0014613, OMIM 616373.

Submission:

Labcorp Genetics (formerly Invitae), Labcorp
Classification: Pathogenic for Dyskeratosis congenita, autosomal recessive 5; Pulmonary fibrosis and/or bone marrow failure, Telomere-related, 3. Last evaluated: 2021-08-30. Review status: criteria provided, single submitter. Criteria: Invitae Variant Classification Sherloc (09022015). Collection method: clinical testing. Allele origin: germline.
Comment: This sequence change creates a premature translational stop signal (p.Glu406Argfs*48) in the RTEL1 gene. It is expected to result in an absent or disrupted protein product. Loss-of-function variants in RTEL1 are known to be pathogenic (PMID: 23453664, 23959892, 25607374). This variant is not present in population databases (ExAC no frequency). This variant has not been reported in the literature in individuals affected with RTEL1-related conditions. For these reasons, this variant has been classified as Pathogenic.

Literature cited by the submitters: PubMed 23453664; PubMed 23959892; PubMed 25607374.

NM_001283009.2(RTEL1):c.1216del (p.Glu406fs)

Genes: RTEL1 (regulator of telomere elongation helicase 1; plus strand), RTEL1-TNFRSF6B (RTEL1-TNFRSF6B readthrough (NMD candidate); plus strand). Cytogenetic location: 20q13.33.
Variant type: Deletion.
Coding change: c.1216del on transcript NM_001283009.2 (MANE Select); coding-DNA position 1216, one base deleted (G; older notation c.1216delG).
Protein change: p.Glu406fs; shifts the reading frame from glutamic acid 406.
Molecular consequence: frameshift variant. On other transcripts: non-coding transcript variant (1).
Genome position (GRCh38, 1-based): chr20:63,685,547, G deleted. VCF-style (leftmost placement, unchanged base first): chr20-63685546-CG-C. GRCh37 (hg19) VCF-style: chr20-62316899-CG-C.
Other names: c.547del, p.Glu183fs (NM_001283010.1); c.1216del, p.Glu406fs (NM_016434.4); c.1288del, p.Glu430fs (NM_032957.5); short protein forms E406fs, E183fs, E430fs.
Identifiers: ClinVar variation 1455471 (VCV001455471.6), dbSNP rs2145411302, ClinGen allele CA2573157210.